The following is an entry in ClinVar:

ClinVar aggregate classification (germline): Likely pathogenic (1 of 4 stars; one submission).

Conditions:
IDUA-related disorder. Also called: IDUA-related condition.

Submission:

3billion
Classification: Likely pathogenic for IDUA-related disorder. Last evaluated: 2025-12-16. Review status: criteria provided, single submitter. Criteria: ACMG Guidelines, 2015. Collection method: clinical testing. Allele origin: germline. Affected: yes.
Comment: The variant is not observed in the gnomAD v4.1.0 dataset. Predicted Consequence/Location: Missense variant In silico tool predictions suggest damaging effect of the variant on gene or gene product [REVEL: 0.79 (>=0.6, sensitivity 0.68 and specificity 0.92); 3Cnet: 0.98 (> 0.75, sensitivity 0.96 and precision 0.92)]. Different missense changes at the same codon (p.Ala75Pro, p.Ala75Thr, p.Ala75Val) have been reported as pathogenic/likely pathogenic with strong evidence (ClinVar ID: VCV000222993, VCV001464729 /PMID: 8019563, 9787109). Therefore, this variant is classified as Likely pathogenic according to the recommendation of ACMG/AMP guideline.

Literature cited by the submitters: PubMed 8019563.

NM_000203.5(IDUA):c.223G>T (p.Ala75Ser)

Genes: IDUA (alpha-L-iduronidase; plus strand), SLC26A1 (solute carrier family 26 member 1; minus strand). Cytogenetic location: 4p16.3.
Variant type: single nucleotide variant.
Coding change: c.223G>T on transcript NM_000203.5 (MANE Select); coding-DNA position 223, G replaced by T.
Protein change: p.Ala75Ser; replaces alanine 75 with serine.
Molecular consequence: missense variant. On other transcripts: 3 prime UTR variant (2), non-coding transcript variant (1), intron variant (1).
Genome position (GRCh38, 1-based): chr4:987,873, G>T. VCF-style: chr4-987873-G-T. GRCh37 (hg19) VCF-style: chr4-981661-G-T.
Other names: c.*960C>A (NM_022042.4, NM_213613.4); c.576+3255C>A (NM_134425.4); short protein forms A75S.
Identifiers: ClinVar variation 4854841 (VCV004854841.1).
Genomic context (GRCh38, chr4:987,873, plus strand): 5'-CCGCTGCCACACAGCCAGGCTGACCAGTACGTCCTCAGCTGGGACCAGCAGCTCAACCTC[G>T]CCTATGTGGGCGCCGTCCCTCACCGCGGCATCAAGCAGGTCCGGACCCACTGGCTGCTGG-3'
Protein context (NP_000194.2, residues 65-85): VLSWDQQLNL[Ala75Ser]YVGAVPHRGI